The following is an entry in ClinVar:

ClinVar aggregate classification (germline): Conflicting classifications of pathogenicity. Review status: criteria provided, conflicting classifications (1 of 4 stars). 8 submissions from 8 submitters: Uncertain significance (4); Likely benign (2). 2 of the submissions do not count toward it. Last evaluated 2026-01-24.

Conditions:
Inborn genetic diseases. Identifiers: MedGen C0950123, MeSH D030342.
ETHE1-related disorder. Also called: ETHE1-related condition.
Ethylmalonic encephalopathy (EE). Also called: EPEMA syndrome; Encephalopathy, petechiae, and ethylmalonic aciduria; Syndrome of encephalopathy, petechiae, and ethylmalonic aciduria. Identifiers: Orphanet 51188, MedGen C1865349, MONDO:0011229, OMIM 602473. Disease mechanism: loss of function.

Allele frequency attached by ClinVar (database versions not stated): ESP Exome Variant Server 0.00015; gnomAD 0.00019 and 0.00020; ExAC 0.00025; 1000 Genomes Project 30x 0.00031; gnomAD exomes 0.00032; TOPMed 0.00033; 1000 Genomes Project 0.00040.
gnomAD v4.1: 378 of 1,613,898 alleles (0.023%); highest among the groups gnomAD compares: Admixed American, 0.07%; no homozygotes.

Submissions (9):

Labcorp Genetics (formerly Invitae), Labcorp
Classification: Likely benign for Ethylmalonic encephalopathy. Last evaluated: 2026-01-24. Review status: criteria provided, single submitter. Criteria: Invitae Variant Classification Sherloc (09022015). Collection method: clinical testing. Allele origin: germline.

Mayo Clinic Laboratories, Mayo Clinic
Classification: Uncertain significance. Last evaluated: 2025-06-20. Review status: criteria provided, single submitter. Criteria: ACMG Guidelines, 2015. Collection method: clinical testing. Allele origin: germline. Observed: 2 variant alleles.
Comment: BP4, PM2_moderate

Women's Health and Genetics/Laboratory Corporation of America, LabCorp
Classification: Uncertain significance. Last evaluated: 2023-10-17. Review status: criteria provided, single submitter. Criteria: LabCorp Variant Classification Summary - May 2015. Collection method: clinical testing. Allele origin: germline.
Comment: Variant summary: ETHE1 c.184G>A (p.Ala62Thr) results in a non-conservative amino acid change located in the Metallo-beta-lactamase (IPR001279) of the encoded protein sequence. Three of five in-silico tools predict a damaging effect of the variant on protein function. The variant allele was found at a frequency of 0.00032 in 249992 control chromosomes (gnomAD). This frequency is not significantly higher than estimated for a pathogenic variant in ETHE1 causing Ethylmalonic Encephalopathy (0.00032 vs 0.0013), allowing no conclusion about variant significance. To our knowledge, no occurrence of c.184G>A in individuals affected with Ethylmalonic Encephalopathy and no experimental evidence demonstrating its impact on protein function have been reported. Four submitters have cited clinical-significance assessments for this variant to ClinVar after 2014, and classified it as uncertain significance (n=2) or likely benign (n=2). Based on the evidence outlined above, the variant was classified as uncertain significance.

Ambry Genetics
Classification: Uncertain significance for Inborn genetic diseases. Last evaluated: 2021-07-15. Review status: criteria provided, single submitter. Criteria: Ambry Variant Classification Scheme 2023. Collection method: clinical testing. Allele origin: germline.

Illumina Laboratory Services, Illumina
Classification: Uncertain significance for Ethylmalonic encephalopathy. Last evaluated: 2018-01-12. Review status: criteria provided, single submitter. Criteria: ICSL Variant Classification Criteria 13 December 2019. Collection method: clinical testing. Allele origin: germline.

GeneDx
Classification: Likely benign. Last evaluated: 2013-05-24. Review status: criteria provided, single submitter. Criteria: GeneDx Variant Classification (06012015). Collection method: clinical testing. Allele origin: germline. Affected: yes.
Comment: This variant is considered likely benign or benign based on one or more of the following criteria: it is a conservative change, it occurs at a poorly conserved position in the protein, it is predicted to be benign by multiple in silico algorithms, and/or has population frequency not consistent with disease.

PreventionGenetics, part of Exact Sciences
Classification: Likely benign for ETHE1-related condition. Last evaluated: 2024-09-27. Review status: no assertion criteria provided. Collection method: clinical testing. Allele origin: germline. Not counted in ClinVar's aggregate classification.
Comment: This variant is classified as likely benign based on ACMG/AMP sequence variant interpretation guidelines (Richards et al. 2015 PMID: 25741868, with internal and published modifications).

Natera, Inc.
Classification: Likely benign for Ethylmalonic encephalopathy. Last evaluated: 2020-06-17. Review status: no assertion criteria provided. Collection method: clinical testing. Allele origin: germline. Not counted in ClinVar's aggregate classification.

Seelig Lab, University of Washington
No classification provided (evidence only). Review status: no classification provided. Collection method: in vitro. Allele origin: not applicable. Functional consequence: effect on translation. Not counted in ClinVar's aggregate classification.
ClinVar note: "not provided" was previously submitted as the classification for the variant. However, the classification appeared to be based only on an observation of functional data so it was converted to no classification on 2025-07-30.

NM_014297.5(ETHE1):c.184G>A (p.Ala62Thr)

Gene: ETHE1 (ETHE1 persulfide dioxygenase; minus strand). Cytogenetic location: 19q13.31.
Variant type: single nucleotide variant.
Coding change: c.184G>A on transcript NM_014297.5 (MANE Select); coding-DNA position 184, G replaced by A.
Protein change: p.Ala62Thr; replaces alanine 62 with threonine.
Molecular consequence: missense variant. On other transcripts: 5 prime UTR variant (1), intron variant (1).
Genome position (GRCh38, 1-based): chr19:43,526,557, C>T on the plus strand (G>A on the coding strand, the complement: ETHE1 is on the minus strand). VCF-style: chr19-43526557-C-T. GRCh37 (hg19) VCF-style: chr19-44030709-C-T.
Other names: p.A62T:GCC>ACC; p.Ala62Thr; c.184G>A, p.Ala62Thr (NM_001320867.2); c.-37G>A (NM_001320868.2); c.81+540G>A (NM_001320869.2); c.184G>A (NM_014297.4); short protein forms A62T.
Identifiers: ClinVar variation 214317 (VCV000214317.24), dbSNP rs138958351, ClinGen allele CA321242.